The following is an entry in ClinVar:

ClinVar aggregate classification (germline): Pathogenic (1 of 4 stars; one submission).

Conditions:
Growth hormone insensitivity with immune dysregulation 1, autosomal recessive. Also called: LARON SYNDROME DUE TO POSTRECEPTOR DEFECT; GROWTH HORMONE INSENSITIVITY SYNDROME WITH IMMUNE DYSREGULATION 1, AUTOSOMAL RECESSIVE; Laron syndrome with immunodeficiency; GROWTH HORMONE INSENSITIVITY DUE TO POSTRECEPTOR DEFECT. Identifiers: Orphanet 220465, MedGen C5435698, MONDO:0100211, OMIM 245590.

Submission:

Labcorp Genetics (formerly Invitae), Labcorp
Classification: Pathogenic for Growth hormone insensitivity with immune dysregulation 1, autosomal recessive. Last evaluated: 2021-02-14. Review status: criteria provided, single submitter. Criteria: Invitae Variant Classification Sherloc (09022015). Collection method: clinical testing. Allele origin: germline.
Comment: This variant is an out-of-frame deletion of the genomic region encompassing exon 6 of the STAT5B gene. This is expected to create a premature translational stop signal and result in an absent or disrupted protein product. This variant has not been reported in the literature in individuals with STAT5B-related disease. Loss-of-function variants in STAT5B are known to be pathogenic (PMID: 15827093). For these reasons, this variant has been classified as Pathogenic.

Literature cited by the submitters: PubMed 15827093.

NC_000017.10:g.(?_40371710)_(40371880_?)del

Gene: STAT5B (signal transducer and activator of transcription 5B; minus strand). Cytogenetic location: 17q21.2.
Variant type: Deletion.
Identifiers: ClinVar variation 2425815 (VCV002425815.5).